The following is an entry in ClinVar:

NC_000012.12:g.121641560G>C

Gene: ORAI1 (ORAI calcium release-activated calcium modulator 1; plus strand). Cytogenetic location: 12q24.31.
Variant type: single nucleotide variant.
Genome position: GRCh38 VCF-style: chr12-121641560-G-C. GRCh37 (hg19) VCF-style: chr12-122079466-G-C.
Other names: c.823G>C, p.Glu275Gln (NM_032790.4); short protein forms E275Q.
Identifiers: ClinVar variation 850935 (VCV000850935.8), dbSNP rs368440417, ClinGen allele CA386984647.

ClinVar aggregate classification (germline): Uncertain significance (1 of 4 stars; one submission).

Conditions:
Combined immunodeficiency due to ORAI1 deficiency. Also called: IMMUNODEFICIENCY 9. Identifiers: Orphanet 169090, Orphanet 317428, MedGen C2748568, MONDO:0013007, OMIM 612782.
Myopathy, tubular aggregate, 2 (TAM2). Identifiers: MedGen C4014557, MONDO:0014383, OMIM 615883.

Submission:

Labcorp Genetics (formerly Invitae), Labcorp
Classification: Uncertain significance for Myopathy, tubular aggregate, 2; Combined immunodeficiency due to ORAI1 deficiency. Last evaluated: 2019-04-09. Review status: criteria provided, single submitter. Criteria: Invitae Variant Classification Sherloc (09022015). Collection method: clinical testing. Allele origin: germline.
Comment: In summary, the available evidence is currently insufficient to determine the role of this variant in disease. Therefore, it has been classified as a Variant of Uncertain Significance. Algorithms developed to predict the effect of missense changes on protein structure and function are either unavailable or do not agree on the potential impact of this missense change (SIFT: "Tolerated"; PolyPhen-2: "Not Available"; Align-GVGD: "Class C0"). This variant has not been reported in the literature in individuals with ORAI1-related conditions. This variant is not present in population databases (ExAC no frequency). This sequence change replaces glutamic acid with glutamine at codon 275 of the ORAI1 protein (p.Glu275Gln). The glutamic acid residue is highly conserved and there is a small physicochemical difference between glutamic acid and glutamine.